The following is an entry in ClinVar:

ClinVar aggregate classification (germline): Uncertain significance. Review status: criteria provided, multiple submitters, no conflicts (2 of 4 stars). 2 submissions from 2 submitters: Uncertain significance (2). Last evaluated 2025-06-22.

Allele frequency attached by ClinVar (database versions not stated): gnomAD 0.00001; TOPMed 0.00001.
gnomAD v4.1: 22 of 1,602,534 alleles (0.0014%); highest among the groups gnomAD compares: Non-Finnish European, 0.0018%; no homozygotes.

Submissions (2):

Labcorp Genetics (formerly Invitae), Labcorp
Classification: Uncertain significance. Last evaluated: 2025-06-22. Review status: criteria provided, single submitter. Criteria: Invitae Variant Classification Sherloc (09022015). Collection method: clinical testing. Allele origin: germline.
Comment: This sequence change replaces proline, which is neutral and non-polar, with threonine, which is neutral and polar, at codon 203 of the TNNI3K protein (p.Pro203Thr). This variant is not present in population databases (gnomAD no frequency). This variant has not been reported in the literature in individuals affected with TNNI3K-related conditions. ClinVar contains an entry for this variant (Variation ID: 1916803). Invitae Evidence Modeling of protein sequence and biophysical properties (such as structural, functional, and spatial information, amino acid conservation, physicochemical variation, residue mobility, and thermodynamic stability) indicates that this missense variant is not expected to disrupt TNNI3K protein function with a negative predictive value of 80%. In summary, the available evidence is currently insufficient to determine the role of this variant in disease. Therefore, it has been classified as a Variant of Uncertain Significance.

Blueprint Genetics
Classification: Uncertain significance. Last evaluated: 2021-09-21. Review status: criteria provided, single submitter. Criteria: ACMG Guidelines, 2015. Collection method: clinical testing. Allele origin: germline.

NM_015978.3(TNNI3K):c.607C>A (p.Pro203Thr)

Genes: TNNI3K (TNNI3 interacting kinase; plus strand), FPGT-TNNI3K (FPGT-TNNI3K readthrough; plus strand). Cytogenetic location: 1p31.1.
Variant type: single nucleotide variant.
Coding change: c.607C>A on transcript NM_015978.3 (MANE Select); coding-DNA position 607, C replaced by A.
Protein change: p.Pro203Thr; replaces proline 203 with threonine.
Molecular consequence: missense variant.
Genome position (GRCh38, 1-based): chr1:74,336,074, C>A. VCF-style: chr1-74336074-C-A. GRCh37 (hg19) VCF-style: chr1-74801758-C-A.
Other names: c.910C>A, p.Pro304Thr (NM_001112808.3, NM_001199327.2); short protein forms P304T, P203T.
Identifiers: ClinVar variation 1916803 (VCV001916803.6), dbSNP rs201573023, ClinGen allele CA24518726.